The following is an entry in ClinVar:

NM_144997.7(FLCN):c.1697T>C (p.Met566Thr)

Gene: FLCN (folliculin; minus strand). Cytogenetic location: 17p11.2.
Variant type: single nucleotide variant.
Coding change: c.1697T>C on transcript NM_144997.7 (MANE Select); coding-DNA position 1697, T replaced by C.
Protein change: p.Met566Thr; replaces methionine 566 with threonine.
Molecular consequence: missense variant.
Genome position (GRCh38, 1-based): chr17:17,213,698, A>G on the plus strand (T>C on the coding strand, the complement: FLCN is on the minus strand). VCF-style: chr17-17213698-A-G. GRCh37 (hg19) VCF-style: chr17-17117012-A-G.
Other names: c.1751T>C, p.Met584Thr (NM_001353229.2); c.1697T>C, p.Met566Thr (NM_001353230.2, NM_001353231.2); short protein forms M566T, M584T.
Identifiers: ClinVar variation 993694 (VCV000993694.14), dbSNP rs756302545, ClinGen allele CA8415916.

ClinVar aggregate classification (germline): Uncertain significance. Review status: criteria provided, multiple submitters, no conflicts (2 of 4 stars). 4 submissions from 4 submitters: Uncertain significance (4). Last evaluated 2024-04-16.

Conditions:
Birt-Hogg-Dube syndrome. Also called: Birt Hogg Dubé syndrome. Identifiers: Orphanet 122, MedGen C0346010, MONDO:0800444.
Birt-Hogg-Dube syndrome 1 (BHD1). Also called: FIBROFOLLICULOMAS WITH TRICHODISCOMAS AND ACROCHORDONS. Identifiers: Orphanet 122, MedGen CN375946, MONDO:0800445, OMIM 135150.
Hereditary cancer-predisposing syndrome. Also called: Neoplastic Syndromes, Hereditary; Hereditary neoplastic syndrome; Hereditary Cancer Syndrome; Tumor predisposition. Identifiers: Orphanet 140162, MedGen C0027672, MeSH D009386, MONDO:0015356.

Allele frequency attached by ClinVar (database versions not stated): ExAC 0.00001.
gnomAD v4.1: 1 of 1,614,186 alleles (0.000062%); highest among the groups gnomAD compares: Admixed American, 0.0017%; no homozygotes.

Submissions (4):

Labcorp Genetics (formerly Invitae), Labcorp
Classification: Uncertain significance for Birt-Hogg-Dube syndrome. Last evaluated: 2024-04-16. Review status: criteria provided, single submitter. Criteria: Invitae Variant Classification Sherloc (09022015). Collection method: clinical testing. Allele origin: germline.
Comment: This sequence change replaces methionine, which is neutral and non-polar, with threonine, which is neutral and polar, at codon 566 of the FLCN protein (p.Met566Thr). This variant is present in population databases (rs756302545, gnomAD 0.007%). This variant has not been reported in the literature in individuals affected with FLCN-related conditions. ClinVar contains an entry for this variant (Variation ID: 993694). Advanced modeling of protein sequence and biophysical properties (such as structural, functional, and spatial information, amino acid conservation, physicochemical variation, residue mobility, and thermodynamic stability) performed at Invitae indicates that this missense variant is not expected to disrupt FLCN protein function with a negative predictive value of 80%. In summary, the available evidence is currently insufficient to determine the role of this variant in disease. Therefore, it has been classified as a Variant of Uncertain Significance.

Baylor Genetics
Classification: Uncertain significance for Birt-Hogg-Dube syndrome 1. Last evaluated: 2024-02-08. Review status: criteria provided, single submitter. Criteria: ACMG Guidelines, 2015. Collection method: clinical testing. Allele origin: unknown.

Ambry Genetics
Classification: Uncertain significance for Hereditary cancer-predisposing syndrome. Last evaluated: 2023-12-26. Review status: criteria provided, single submitter. Criteria: Ambry Variant Classification Scheme 2023. Collection method: clinical testing. Allele origin: germline.
Comment: The p.M566T variant (also known as c.1697T>C), located in coding exon 11 of the FLCN gene, results from a T to C substitution at nucleotide position 1697. The methionine at codon 566 is replaced by threonine, an amino acid with similar properties. This amino acid position is well conserved in available vertebrate species. In addition, this alteration is predicted to be deleterious by in silico analysis. Since supporting evidence is limited at this time, the clinical significance of this alteration remains unclear.

ARUP Laboratories, Molecular Genetics and Genomics, ARUP Laboratories
Classification: Uncertain significance. Last evaluated: 2020-05-05. Review status: criteria provided, single submitter. Criteria: ARUP Molecular Germline Variant Investigation Process. Collection method: clinical testing. Allele origin: germline.
Comment: The FLCN c.1697T>C; p.Met566Thr variant (rs756302545), to our knowledge, is not reported in the medical literature or gene-specific databases. This variant is found on a single chromosome (1/31402 alleles) in the Genome Aggregation Database. The methionine at codon 566 is highly conserved, but computational analyses (SIFT: damaging, PolyPhen-2: benign) predict conflicting effects of this variant on protein structure/function. Due to limited information, the clinical significance of the p.Met566Thr variant is uncertain at this time.